The following is an entry in ClinVar:

ClinVar aggregate classification (germline): Conflicting classifications of pathogenicity. Review status: criteria provided, conflicting classifications (1 of 4 stars). 2 submissions from 2 submitters: Likely pathogenic (1); Uncertain significance (1). Last evaluated 2026-01-23.

Conditions:
Cortical dysplasia, complex, with other brain malformations 13. Also called: Intellectual disability, autosomal dominant 13. Identifiers: MedGen C3281202, MONDO:0013805, OMIM 614563.

Submissions (2):

Center for Human Genetics and Genomic Medicine, Uniklinik Rwth Aachen
Classification: Likely pathogenic for Cortical dysplasia, complex, with other brain malformations 13. Last evaluated: 2026-01-23. Review status: criteria provided, single submitter. Criteria: ACMG Guidelines, 2015. Collection method: clinical testing. Allele origin: germline. Inheritance: Autosomal dominant inheritance. Affected: yes. Observed: 1 variant allele, 1 heterozygote.
Comment: To date, this variant has not been reported in the literature or in the ClinVar database. In the general population (gnomAD v4.1.0), it has not yet been detected (PM2_sup). Bioinformatics prediction tools (REVEL (v2021-05-03), CADD (v1.6); accessed via Alamut Visual Plus v.1.13 on 01/09/2026) classify the variant as likely pathogenic (PP3). In the DYNC1H1 gene, missense variants are known to be pathogenetically relevant (PP2). The variant is located in the stalk domain, which is associated with increased CNS involvement, epilepsy, and cortical developmental malformations (Becker et al.) (PM1).

Institute of Human Genetics, University of Leipzig Medical Center
Classification: Uncertain significance for Cortical dysplasia, complex, with other brain malformations 13. Last evaluated: 2025-03-04. Review status: criteria provided, single submitter. Criteria: ACMG Guidelines, 2015. Collection method: clinical testing. Allele origin: paternal. Inheritance: Autosomal dominant inheritance. Affected: yes.
Comment: Criteria applied: PM2_SUP,PP2,PP3.

Literature cited by the submitters: PubMed 32788638 (cited by Center for Human Genetics and Genomic Medicine, Uniklinik Rwth Aachen).

NM_001376.5(DYNC1H1):c.10237C>T (p.Arg3413Cys)

Gene: DYNC1H1 (dynein cytoplasmic 1 heavy chain 1; plus strand). Cytogenetic location: 14q32.31.
Variant type: single nucleotide variant.
Coding change: c.10237C>T on transcript NM_001376.5 (MANE Select); coding-DNA position 10237, C replaced by T.
Protein change: p.Arg3413Cys; replaces arginine 3413 with cysteine.
Molecular consequence: missense variant.
Genome position (GRCh38, 1-based): chr14:102,033,308, C>T. VCF-style: chr14-102033308-C-T. GRCh37 (hg19) VCF-style: chr14-102499645-C-T.
Other names: short protein forms R3413C.
Identifiers: ClinVar variation 2664994 (VCV002664994.4), dbSNP rs2503823543, ClinGen allele CA391023355.